The following is an entry in ClinVar:

ClinVar aggregate classification (germline): Uncertain significance. Review status: criteria provided, multiple submitters, no conflicts (2 of 4 stars). 2 submissions from 2 submitters: Uncertain significance (2). Last evaluated 2026-04-12.

Conditions:
CRYGD-related disorder. Also called: CRYGD-related condition.
Inborn genetic diseases. Identifiers: MedGen C0950123, MeSH D030342.

Allele frequency attached by ClinVar (database versions not stated): TOPMed 0.00004.
gnomAD v4.1: 5 of 1,612,278 alleles (0.00031%); highest among the groups gnomAD compares: African/African-American, 0.0053%; no homozygotes.

Submissions (2):

PreventionGenetics, part of Exact Sciences
Classification: Uncertain significance for CRYGD-related condition. Last evaluated: 2026-04-12. Review status: criteria provided, single submitter. Criteria: ACMG Guidelines, 2015. Collection method: clinical testing. Allele origin: germline.
Comment: The CRYGD c.120C>A variant is predicted to result in the amino acid substitution p.Ser40Arg. To our knowledge, this variant has not been reported in the literature. This variant is reported in 0.0029% of alleles in individuals of Latino descent in gnomAD. At this time, the clinical significance of this variant is uncertain due to the absence of conclusive functional and genetic evidence.

Ambry Genetics
Classification: Uncertain significance for Inborn genetic diseases. Last evaluated: 2024-01-23. Review status: criteria provided, single submitter. Criteria: Ambry Variant Classification Scheme 2023. Collection method: clinical testing. Allele origin: germline.

NM_006891.4(CRYGD):c.120C>A (p.Ser40Arg)

Genes: CRYGD (crystallin gamma D; minus strand), LOC100507443 (uncharacterized LOC100507443; plus strand). Cytogenetic location: 2q33.3.
Variant type: single nucleotide variant.
Coding change: c.120C>A on transcript NM_006891.4 (MANE Select); coding-DNA position 120, C replaced by A.
Protein change: p.Ser40Arg; replaces serine 40 with arginine.
Molecular consequence: missense variant.
Genome position (GRCh38, 1-based): chr2:208,124,244, G>T on the plus strand (C>A on the coding strand, the complement: CRYGD is on the minus strand). VCF-style: chr2-208124244-G-T. GRCh37 (hg19) VCF-style: chr2-208988968-G-T.
Other names: short protein forms S40R.
Identifiers: ClinVar variation 3077907 (VCV003077907.2), dbSNP rs374192743, ClinGen allele CA2077731.